The following is an entry in ClinVar:

NM_032383.5(HPS3):c.2424del (p.Ile807_Trp808insTer)

Genes: CP (ceruloplasmin; minus strand), HPS3 (HPS3 biogenesis of lysosomal organelles complex 2 subunit 1; plus strand). Cytogenetic location: 3q24.
Variant type: Deletion.
Coding change: c.2424del on transcript NM_032383.5 (MANE Select); coding-DNA position 2424, one base deleted (G; older notation c.2424delG).
Protein change: p.Ile807_Trp808insTer.
Molecular consequence: nonsense. On other transcripts: non-coding transcript variant (1).
Genome position (GRCh38, 1-based): chr3:149,162,821, G deleted; the last of 2 consecutive G bases (chr3:149,162,820-149,162,821); deleting either gives the same sequence. VCF-style (leftmost placement, unchanged base first): chr3-149162819-TG-T. GRCh37 (hg19) VCF-style: chr3-148880606-TG-T.
Other names: c.1929del, p.Ile642_Trp643insTer (NM_001308258.2).
Identifiers: ClinVar variation 1964579 (VCV001964579.6), dbSNP rs2473124437, ClinGen allele CA2580068958.

ClinVar aggregate classification (germline): Pathogenic/Likely pathogenic. Review status: criteria provided, multiple submitters, no conflicts (2 of 4 stars). 2 submissions from 2 submitters: Pathogenic (1); Likely pathogenic (1). Last evaluated 2026-01-27.

Conditions:
Hermansky-Pudlak syndrome 3 (HPS3). Identifiers: Orphanet 231512, Orphanet 79430, MedGen C3888001, MONDO:0013555, OMIM 614072.

Submissions (2):

Labcorp Genetics (formerly Invitae), Labcorp
Classification: Pathogenic. Last evaluated: 2026-01-27. Review status: criteria provided, single submitter. Criteria: Invitae Variant Classification Sherloc (09022015). Collection method: clinical testing. Allele origin: germline.
Comment: This sequence change creates a premature translational stop signal (p.Trp808*) in the HPS3 gene. It is expected to result in an absent or disrupted protein product. Loss-of-function variants in HPS3 are known to be pathogenic (PMID: 11590544). This variant is not present in population databases (gnomAD no frequency). This variant has not been reported in the literature in individuals affected with HPS3-related conditions. ClinVar contains an entry for this variant (Variation ID: 1964579). For these reasons, this variant has been classified as Pathogenic.

Baylor Genetics
Classification: Likely pathogenic for Hermansky-Pudlak syndrome 3. Last evaluated: 2023-05-04. Review status: criteria provided, single submitter. Criteria: ACMG Guidelines, 2015. Collection method: clinical testing. Allele origin: unknown.

Literature cited by the submitters: PubMed 11590544 (cited by Labcorp Genetics (formerly Invitae), Labcorp).